The following is an entry in ClinVar:

NM_001046.3(SLC12A2):c.2694G>A (p.Arg898=)

Gene: SLC12A2 (solute carrier family 12 member 2; plus strand). Cytogenetic location: 5q23.3.
Variant type: single nucleotide variant.
Coding change: c.2694G>A on transcript NM_001046.3 (MANE Select); coding-DNA position 2694, G replaced by A.
Protein change: p.Arg898=; no amino-acid change (arginine 898 retained).
Molecular consequence: synonymous variant. On other transcripts: non-coding transcript variant (1).
Genome position (GRCh38, 1-based): chr5:128,167,838, G>A. VCF-style: chr5-128167838-G-A. GRCh37 (hg19) VCF-style: chr5-127503530-G-A.
Other names: c.2694G>A, p.Arg898= (NM_001256461.2).
Identifiers: ClinVar variation 3648148 (VCV003648148.3).
Genomic context (GRCh38, chr5:128,167,838, plus strand): 5'-TATGAAGCCAAACACACTTGTCCTTGGATTTAAGAAAGATTGGTTGCAAGCAGATATGAG[G>A]GATGTGGATATGTATATAAACTTATTTCAGTAAGTATCTTTTTAATTCAATAATTTAGTT-3'
Protein context (NP_001037.1, residues 888-908): FKKDWLQADM[Arg898=]DVDMYINLFH

ClinVar aggregate classification (germline): Likely benign. Review status: criteria provided, multiple submitters, no conflicts (2 of 4 stars). 2 submissions from 2 submitters: Likely benign (2). Last evaluated 2026-09-01.

gnomAD v4.1: 5 of 1,601,358 alleles (0.00031%); highest among the groups gnomAD compares: Admixed American, 0.0051%; no homozygotes.

Submissions (2):

CeGaT Center for Human Genetics Tuebingen
Classification: Likely benign. Last evaluated: 2026-09-01. Review status: criteria provided, single submitter. Criteria: CeGaT Center For Human Genetics Tuebingen Variant Classification Criteria Version 2. Collection method: clinical testing. Allele origin: germline. Affected: yes. Observed: 1 variant allele.
Comment: SLC12A2: BP4, BP7

Labcorp Genetics (formerly Invitae), Labcorp
Classification: Likely benign. Last evaluated: 2024-05-10. Review status: criteria provided, single submitter. Criteria: Invitae Variant Classification Sherloc (09022015). Collection method: clinical testing. Allele origin: germline.